The following is an entry in ClinVar:

NM_152564.5(VPS13B):c.6343C>T (p.Gln2115Ter)

Gene: VPS13B (vacuolar protein sorting 13 homolog B; plus strand). Cytogenetic location: 8q22.2.
Variant type: single nucleotide variant.
Coding change: c.6343C>T on transcript NM_152564.5 (MANE Select); coding-DNA position 6343, C replaced by T.
Protein change: p.Gln2115Ter; replaces glutamine 2115 with a stop codon.
Molecular consequence: nonsense.
Genome position (GRCh38, 1-based): chr8:99,699,821, C>T. VCF-style: chr8-99699821-C-T. GRCh37 (hg19) VCF-style: chr8-100712049-C-T.
Other names: c.6418C>T, p.Gln2140Ter (NM_017890.5); short protein forms Q2115*, Q2140*.
Identifiers: ClinVar variation 370170 (VCV000370170.8), dbSNP rs1057516287, ClinGen allele CA16041243.

ClinVar aggregate classification (germline): Pathogenic. Review status: criteria provided, single submitter (1 of 4 stars). 2 submissions from 2 submitters: Pathogenic (1). 1 of the submissions does not count toward it. Last evaluated 2023-12-19.

Conditions:
Cohen syndrome (COH1). Also called: Cutis verticis gyrata, retinitis pigmentosa, and sensorineural deafness; PEPPER SYNDROME. Identifiers: Orphanet 193, MedGen C0265223, MONDO:0008999, OMIM 216550.

Submissions (2):

Labcorp Genetics (formerly Invitae), Labcorp
Classification: Pathogenic for Cohen syndrome. Last evaluated: 2023-12-19. Review status: criteria provided, single submitter. Criteria: Invitae Variant Classification Sherloc (09022015). Collection method: clinical testing. Allele origin: germline.
Comment: This sequence change creates a premature translational stop signal (p.Gln2140*) in the VPS13B gene. It is expected to result in an absent or disrupted protein product. Loss-of-function variants in VPS13B are known to be pathogenic (PMID: 15141358, 16648375, 20461111). This variant is not present in population databases (gnomAD no frequency). This variant has not been reported in the literature in individuals affected with VPS13B-related conditions. ClinVar contains an entry for this variant (Variation ID: 370170). For these reasons, this variant has been classified as Pathogenic.

Counsyl
Classification: Likely pathogenic for Cohen syndrome. Last evaluated: 2015-12-07. Review status: no assertion criteria provided. Collection method: clinical testing. Allele origin: unknown. Not counted in ClinVar's aggregate classification.

Literature cited by the submitters: PubMed 15141358 (cited by Labcorp Genetics (formerly Invitae), Labcorp); PubMed 16648375 (cited by Labcorp Genetics (formerly Invitae), Labcorp); PubMed 20461111 (cited by Labcorp Genetics (formerly Invitae), Labcorp).